The following is an entry in ClinVar:

ClinVar aggregate classification (germline): Uncertain significance (1 of 4 stars; one submission).

Conditions:
Hereditary cancer-predisposing syndrome. Also called: Neoplastic Syndromes, Hereditary; Tumor predisposition; Hereditary Cancer Syndrome; Hereditary neoplastic syndrome. Identifiers: Orphanet 140162, MedGen C0027672, MeSH D009386, MONDO:0015356.

gnomAD v4.1: 1 of 1,565,588 alleles (0.000064%); highest among the groups gnomAD compares: Non-Finnish European, 0.000087%; no homozygotes.

Submission:

Ambry Genetics
Classification: Uncertain significance for Hereditary cancer-predisposing syndrome. Last evaluated: 2026-04-03. Review status: criteria provided, single submitter. Criteria: Ambry Variant Classification Scheme 2023. Collection method: clinical testing. Allele origin: germline.
Comment: The c.2564+2T>C intronic variant results from a T to C substitution two nucleotides after coding exon 19 in the POLD1 gene. This nucleotide position is highly conserved in available vertebrate species. In silico splice site analysis predicts that this alteration will weaken the native splice donor site and may result in the creation or strengthening of a novel splice donor site. Variants that disrupt the canonical splice site are expected to cause aberrant splicing, resulting in an abnormal protein or a transcript that is subject to nonsense-mediated mRNA decay; however, +2T>C variants are capable of generating wild-type transcripts in some genomic contexts and should be interpreted with caution (Lin JH et al. Hum Mutat. 2019 10;40:1856-1873). Based on the available evidence, the clinical significance of this variant remains unclear.

NM_002691.4(POLD1):c.2564+2T>C

Gene: POLD1 (DNA polymerase delta 1, catalytic subunit; plus strand). Cytogenetic location: 19q13.33.
Variant type: single nucleotide variant.
Coding change: c.2564+2T>C on transcript NM_002691.4 (MANE Select); the canonical splice donor site of the intron after coding-DNA position 2564, T replaced by C.
Molecular consequence: splice donor variant.
Genome position (GRCh38, 1-based): chr19:50,414,992, T>C. VCF-style: chr19-50414992-T-C. GRCh37 (hg19) VCF-style: chr19-50918249-T-C.
Other names: c.2564+2T>C (NM_001256849.1, NM_001438212.1, NM_001438213.1); c.2492+2T>C (NM_001438210.1, NM_001438211.1); c.2642+2T>C (NM_001308632.1).
Identifiers: ClinVar variation 4862171 (VCV004862171.1).